The following is an entry in ClinVar:

ClinVar aggregate classification (germline): Uncertain significance. Review status: criteria provided, single submitter (1 of 4 stars). 2 submissions from 2 submitters: Uncertain significance (1). 1 of the submissions does not count toward it. Last evaluated 2020-04-17.

Conditions:
Leber congenital amaurosis 19. Identifiers: MedGen C5193139, MONDO:0032794, OMIM 618513.

Allele frequency attached by ClinVar (database versions not stated): gnomAD 0.00013 and 0.00029; TOPMed 0.00017; gnomAD exomes 0.00042 and 0.00053; ExAC 0.00051; 1000 Genomes Project 30x 0.00234; 1000 Genomes Project 0.00200.
gnomAD v4.1: 667 of 1,614,158 alleles (0.041%); highest among the groups gnomAD compares: East Asian, 0.94%; 4 homozygotes.

Submissions (2):

Foundation for Research in Genetics and Endocrinology, FRIGE's Institute of Human Genetics
Classification: Uncertain significance for Leber congenital amaurosis 19. Last evaluated: 2020-04-17. Review status: criteria provided, single submitter. Criteria: ACMG Guidelines, 2015. Collection method: clinical testing. Allele origin: germline. Inheritance: Autosomal recessive inheritance. Affected: yes. Observed: 1 heterozygote.
Comment: A heterozygous nonsense variation in exon 14 of the USP45 gene that results in a stop codon and premature truncation of the protein at codon 546 was detected. The observed variant c.1636A>T(p.Lys546Ter) has a minor allele frequency of 0.2% and 0.05% in the 1000 genomes and ExAC databases respectively. The in silico prediction of the variant is damaging by MutationTaster2. The reference codon is conserved across primates. The variant meets our criteria to be classified as variant of uncertain significance.

OMIM
Classification: Uncertain significance for VARIANT OF UNKNOWN SIGNIFICANCE. Last evaluated: 2019-07-24. Review status: no assertion criteria provided. Collection method: literature only. Allele origin: germline. Not counted in ClinVar's aggregate classification.

Literature cited by the submitters: Hamosh, A. Personal Communication. 2019. Baltimore, Md. (cited by OMIM); PubMed 30573563 (cited by OMIM).

NM_001346022.3(USP45):c.1636A>T (p.Lys546Ter)

Gene: USP45 (ubiquitin specific peptidase 45; minus strand). Cytogenetic location: 6q16.2.
Variant type: single nucleotide variant.
Coding change: c.1636A>T on transcript NM_001346022.3 (MANE Select); coding-DNA position 1636, A replaced by T.
Protein change: p.Lys546Ter; replaces lysine 546 with a stop codon.
Molecular consequence: nonsense. On other transcripts: non-coding transcript variant (2).
Genome position (GRCh38, 1-based): chr6:99,446,136, T>A on the plus strand (A>T on the coding strand, the complement: USP45 is on the minus strand). VCF-style: chr6-99446136-T-A. GRCh37 (hg19) VCF-style: chr6-99894012-T-A.
Other names: K456*; c.1636A>T, p.Lys546Ter (NM_001080481.3, NM_001346021.3, NM_001346026.3); c.1633A>T, p.Lys545Ter (NM_001346023.3); c.1462A>T, p.Lys488Ter (NM_001346024.3); c.1459A>T, p.Lys487Ter (NM_001346025.3); c.556A>T, p.Lys186Ter (NM_001346027.3, NM_001346028.3, NM_001346029.3); short protein forms K546*, K186*, K487*, K488*, K545*.
Identifiers: ClinVar variation 638073 (VCV000638073.4), dbSNP rs189281869, ClinGen allele CA3935243.